The following is an entry in ClinVar:

ClinVar aggregate classification (germline): Pathogenic/Likely pathogenic. Review status: criteria provided, multiple submitters, no conflicts (2 of 4 stars). 2 submissions from 2 submitters: Pathogenic (1); Likely pathogenic (1). Last evaluated 2026-02-10.

Conditions:
Short stature with nonspecific skeletal abnormalities 1 (SNSK1). Identifiers: MedGen CN379227, MONDO:0014551, OMIM 616255.
Acromesomelic dysplasia 1, Maroteaux type (AMD1). Also called: ACROMESOMELIC DYSPLASIA 1; ST. HELENA DYSPLASIA. Identifiers: Orphanet 40, MedGen C1864356, MONDO:0011275, OMIM 602875.

Submissions (2):

Institute of Human Genetics, University of Leipzig Medical Center
Classification: Likely pathogenic for Short stature with nonspecific skeletal abnormalities 1. Last evaluated: 2026-02-10. Review status: criteria provided, single submitter. Criteria: ACMG Guidelines, 2015. Collection method: clinical testing. Allele origin: paternal. Inheritance: Autosomal dominant inheritance. Affected: yes.
Comment: Criteria applied: PVS1_MOD,PM2,PM3

Hacettepe Genetic Diseases Diagnosis Center, Hacettepe University Faculty of Medicine
Classification: Pathogenic for Acromesomelic dysplasia 1, Maroteaux type. Last evaluated: 2020-05-03. Review status: criteria provided, single submitter. Criteria: ACMG Guidelines, 2015. Collection method: clinical testing. Allele origin: germline. Inheritance: Autosomal recessive inheritance. Affected: yes. Observed: 1 homozygote.
Comment: Also, this variant has been reported among the loss-of-function mutations in NPR2 related to Acromesomelic dysplasia, Maroteaux type (Bartels et al., 2004). The identified mutation has not been reported in ExAC and gnomAD databases. This variant was classified as pathogenic based on ACMG variant classification guidelines and predicted to be disease causing by in silico analysis such as MutationTaster.

NM_003995.4(NPR2):c.1887+2T>A

Gene: NPR2 (natriuretic peptide receptor 2; plus strand). Cytogenetic location: 9p13.3.
Variant type: single nucleotide variant.
Coding change: c.1887+2T>A on transcript NM_003995.4 (MANE Select); the canonical splice donor site of the intron after coding-DNA position 1887, T replaced by A.
Molecular consequence: splice donor variant.
Genome position (GRCh38, 1-based): chr9:35,802,805, T>A. VCF-style: chr9-35802805-T-A. GRCh37 (hg19) VCF-style: chr9-35802802-T-A.
Other names: c.1896+2T>A (NM_001378923.1).
Identifiers: ClinVar variation 873132 (VCV000873132.3), dbSNP rs1828226013, ClinGen allele CA373375653.
Genomic context (GRCh38, chr9:35,802,805, plus strand): 5'-ATGACAGCATCAACTTGGACTGGATGTTTCGTTATTCACTCATTAATGACCTTGTTAAGG[T>A]GAGTCTTCCCCACTCCTTAAAAGTTCATCCACTTTAAATCACTTCCACTGTTCTTTGATT-3'